The following is an entry in ClinVar:

ClinVar aggregate classification (germline): Uncertain significance (1 of 4 stars; one submission).

Allele frequency attached by ClinVar (database versions not stated): gnomAD exomes below 0.00001.
gnomAD v4.1: 1 of 1,612,542 alleles (0.000062%); highest among the groups gnomAD compares: Non-Finnish European, 0.000085%; no homozygotes.

Submission:

Labcorp Genetics (formerly Invitae), Labcorp
Classification: Uncertain significance. Last evaluated: 2026-01-26. Review status: criteria provided, single submitter. Criteria: Invitae Variant Classification Sherloc (09022015). Collection method: clinical testing. Allele origin: germline.
Comment: This sequence change replaces asparagine, which is neutral and polar, with serine, which is neutral and polar, at codon 285 of the TONSL protein (p.Asn285Ser). This variant is not present in population databases (gnomAD no frequency). This variant has not been reported in the literature in individuals affected with TONSL-related conditions. ClinVar contains an entry for this variant (Variation ID: 2806086). Invitae Evidence Modeling of protein sequence and biophysical properties (such as structural, functional, and spatial information, amino acid conservation, physicochemical variation, residue mobility, and thermodynamic stability) indicates that this missense variant is not expected to disrupt TONSL protein function with a negative predictive value of 80%. In summary, the available evidence is currently insufficient to determine the role of this variant in disease. Therefore, it has been classified as a Variant of Uncertain Significance.

NM_013432.5(TONSL):c.854A>G (p.Asn285Ser)

Gene: TONSL (tonsoku like, DNA repair protein; minus strand). Cytogenetic location: 8q24.3.
Variant type: single nucleotide variant.
Coding change: c.854A>G on transcript NM_013432.5 (MANE Select); coding-DNA position 854, A replaced by G.
Protein change: p.Asn285Ser; replaces asparagine 285 with serine.
Molecular consequence: missense variant.
Genome position (GRCh38, 1-based): chr8:144,442,048, T>C on the plus strand (A>G on the coding strand, the complement: TONSL is on the minus strand). VCF-style: chr8-144442048-T-C. GRCh37 (hg19) VCF-style: chr8-145667431-T-C.
Other names: short protein forms N285S.
Identifiers: ClinVar variation 2806086 (VCV002806086.3), dbSNP rs2537506057, ClinGen allele CA372674754.